The following is an entry in ClinVar:

ClinVar aggregate classification (germline): Uncertain significance (1 of 4 stars; one submission).

Allele frequency attached by ClinVar (database versions not stated): TOPMed below 0.00001; ExAC 0.00001; gnomAD exomes 0.00001.
gnomAD v4.1: 8 of 1,614,064 alleles (0.0005%); highest among the groups gnomAD compares: East Asian, 0.0045%; no homozygotes.

Submission:

Labcorp Genetics (formerly Invitae), Labcorp
Classification: Uncertain significance. Last evaluated: 2022-05-25. Review status: criteria provided, single submitter. Criteria: Invitae Variant Classification Sherloc (09022015). Collection method: clinical testing. Allele origin: germline.
Comment: In summary, the available evidence is currently insufficient to determine the role of this variant in disease. Therefore, it has been classified as a Variant of Uncertain Significance. Algorithms developed to predict the effect of missense changes on protein structure and function (SIFT, PolyPhen-2, Align-GVGD) all suggest that this variant is likely to be tolerated. This variant has not been reported in the literature in individuals affected with RSPRY1-related conditions. This variant is not present in population databases (gnomAD no frequency). This sequence change replaces lysine, which is basic and polar, with arginine, which is basic and polar, at codon 177 of the RSPRY1 protein (p.Lys177Arg).

NM_133368.3(RSPRY1):c.530A>G (p.Lys177Arg)

Gene: RSPRY1 (ring finger and SPRY domain containing 1; plus strand). Cytogenetic location: 16q13.
Variant type: single nucleotide variant.
Coding change: c.530A>G on transcript NM_133368.3 (MANE Select); coding-DNA position 530, A replaced by G.
Protein change: p.Lys177Arg; replaces lysine 177 with arginine.
Molecular consequence: missense variant.
Genome position (GRCh38, 1-based): chr16:57,212,985, A>G. VCF-style: chr16-57212985-A-G. GRCh37 (hg19) VCF-style: chr16-57246897-A-G.
Other names: c.530A>G, p.Lys177Arg (NM_001305163.2, NM_001305164.2); short protein forms K177R.
Identifiers: ClinVar variation 2027992 (VCV002027992.4), dbSNP rs746592167, ClinGen allele CA8074490.